The following is an entry in ClinVar:

ClinVar aggregate classification (germline): Conflicting classifications of pathogenicity. Review status: criteria provided, conflicting classifications (1 of 4 stars). 2 submissions from 2 submitters: Uncertain significance (1); Likely benign (1). Last evaluated 2025-08-04.

Conditions:
Inborn genetic diseases. Identifiers: MedGen C0950123, MeSH D030342.
Early-infantile DEE. Also called: Early infantile epileptic encephalopathy; Ohtahara syndrome; Early infantile epileptic encephalopathy with suppression bursts. Identifiers: Orphanet 1934, MedGen C0393706, MONDO:0800491.

Allele frequency attached by ClinVar (database versions not stated): ExAC 0.00001; gnomAD exomes 0.00001; TOPMed 0.00001.
gnomAD v4.1: 12 of 1,614,168 alleles (0.00074%); highest among the groups gnomAD compares: Middle Eastern, 0.016%; no homozygotes.

Submissions (2):

Ambry Genetics
Classification: Likely benign for Inborn genetic diseases. Last evaluated: 2025-08-04. Review status: criteria provided, single submitter. Criteria: Ambry Variant Classification Scheme 2023. Collection method: clinical testing. Allele origin: germline.

Labcorp Genetics (formerly Invitae), Labcorp
Classification: Uncertain significance for Early-infantile DEE. Last evaluated: 2023-10-03. Review status: criteria provided, single submitter. Criteria: Invitae Variant Classification Sherloc (09022015). Collection method: clinical testing. Allele origin: germline.
Comment: This sequence change replaces valine, which is neutral and non-polar, with isoleucine, which is neutral and non-polar, at codon 2054 of the SPTAN1 protein (p.Val2054Ile). This variant is present in population databases (rs771286283, gnomAD 0.003%). This variant has not been reported in the literature in individuals affected with SPTAN1-related conditions. ClinVar contains an entry for this variant (Variation ID: 935099). Algorithms developed to predict the effect of missense changes on protein structure and function output the following: SIFT: "Not Available"; PolyPhen-2: "Benign"; Align-GVGD: "Not Available". The isoleucine amino acid residue is found in multiple mammalian species, which suggests that this missense change does not adversely affect protein function. In summary, the available evidence is currently insufficient to determine the role of this variant in disease. Therefore, it has been classified as a Variant of Uncertain Significance.

NM_001130438.3(SPTAN1):c.6160G>A (p.Val2054Ile)

Gene: SPTAN1 (spectrin alpha, non-erythrocytic 1; plus strand). Cytogenetic location: 9q34.11.
Variant type: single nucleotide variant.
Coding change: c.6160G>A on transcript NM_001130438.3 (MANE Select); coding-DNA position 6160, G replaced by A.
Protein change: p.Val2054Ile; replaces valine 2054 with isoleucine.
Molecular consequence: missense variant.
Genome position (GRCh38, 1-based): chr9:128,625,859, G>A. VCF-style: chr9-128625859-G-A. GRCh37 (hg19) VCF-style: chr9-131388138-G-A.
Other names: c.6085G>A, p.Val2029Ile (NM_001195532.2); c.6160G>A, p.Val2054Ile (NM_001363759.2, NM_001375310.1, NM_001375311.2 and 1 more transcripts); c.6100G>A, p.Val2034Ile (NM_001363765.2, NM_001375314.2); c.6196G>A, p.Val2066Ile (NM_001375312.2, NM_001375318.1); c.6145G>A, p.Val2049Ile (NM_003127.4); short protein forms V2049I, V2054I, V2029I, V2034I, V2066I.
Identifiers: ClinVar variation 935099 (VCV000935099.11), dbSNP rs771286283, ClinGen allele CA5265653.